The following is an entry in ClinVar:

NM_000051.4(ATM):c.5793T>G (p.Ala1931=)

Genes: ATM (ATM serine/threonine kinase; plus strand), C11orf65 (chromosome 11 open reading frame 65; minus strand). Cytogenetic location: 11q22.3.
Variant type: single nucleotide variant.
Coding change: c.5793T>G on transcript NM_000051.4 (MANE Select); coding-DNA position 5793, T replaced by G.
Protein change: p.Ala1931=; no amino-acid change (alanine 1931 retained).
Molecular consequence: synonymous variant. On other transcripts: intron variant (2).
Genome position (GRCh38, 1-based): chr11:108,310,190, T>G. VCF-style: chr11-108310190-T-G. GRCh37 (hg19) VCF-style: chr11-108180917-T-G.
Other names: c.5793T>G, p.Ala1931= (NM_001351834.2); c.641-1119A>C (NM_001330368.2); c.*39-1119A>C (NM_001351110.2).
Identifiers: ClinVar variation 3253907 (VCV003253907.2), dbSNP rs3092910.

ClinVar aggregate classification (germline): Benign/Likely benign. Review status: criteria provided, multiple submitters, no conflicts (2 of 4 stars). 2 submissions from 2 submitters: Benign (1); Likely benign (1). Last evaluated 2024-08-05.

Conditions:
Hereditary cancer-predisposing syndrome. Also called: Tumor predisposition; Hereditary Cancer Syndrome; Hereditary neoplastic syndrome; Neoplastic Syndromes, Hereditary. Identifiers: Orphanet 140162, MedGen C0027672, MeSH D009386, MONDO:0015356.
Familial cancer of breast. Also called: hereditary breast carcinoma; BREAST CANCER, FAMILIAL; Hereditary breast cancer. Identifiers: Orphanet 227535, MedGen C0346153, MONDO:0016419, OMIM 114480. Disease mechanism: loss of function.

gnomAD v4.1: 1 of 1,613,596 alleles (0.000062%); highest among the groups gnomAD compares: Admixed American, 0.0017%; no homozygotes.

Submissions (2):

Ambry Genetics
Classification: Likely benign for Hereditary cancer-predisposing syndrome. Last evaluated: 2024-08-05. Review status: criteria provided, single submitter. Criteria: Ambry Variant Classification Scheme 2023. Collection method: clinical testing. Allele origin: germline.

Myriad Genetics, Inc.
Classification: Benign for Familial cancer of breast. Last evaluated: 2024-05-24. Review status: criteria provided, single submitter. Criteria: Myriad Autosomal Dominant, Autosomal Recessive and X-Linked Classification Criteria (2023). Collection method: clinical testing. Allele origin: unknown.
Comment: This variant is considered benign. This variant is a silent/synonymous amino acid change and it is not expected to impact splicing.